The following is an entry in ClinVar:

NM_001367561.1(DOCK7):c.1349CAA[1] (p.Thr451del)

Gene: DOCK7 (dedicator of cytokinesis 7; minus strand). Cytogenetic location: 1p31.3.
Variant type: Microsatellite.
Coding change: c.1349CAA[1] on transcript NM_001367561.1 (MANE Select); one copy of the 3-base unit CAA starting at c.1349; the reference has two copies in a row; one copy, 3 bases deleted.
Protein change: p.Thr451del; deletes threonine 451.
Molecular consequence: inframe deletion.
Genome position (GRCh38, 1-based): chr1:62,625,330-62,625,332, TTG deleted on the plus strand (CAA on the coding strand, the reverse complement: DOCK7 is on the minus strand); deleting any 3 consecutive bases within chr1:62,625,330-62,625,336 gives the same sequence; the position shown is the placement nearest the transcript's 3' end. VCF-style (leftmost placement, unchanged base first): chr1-62625329-CTTG-C. GRCh37 (hg19) VCF-style: chr1-63091000-CTTG-C.
Other names: c.1349CAA[1], p.Thr451del (NM_001271999.2, NM_001272000.2, NM_001272001.2 and 3 more transcripts); short protein forms T451del.
Identifiers: ClinVar variation 1707872 (VCV001707872.2), dbSNP rs750703394, ClinGen allele CA886972.

ClinVar aggregate classification (germline): Uncertain significance (1 of 4 stars; one submission).

Submission:

GeneDx
Classification: Uncertain significance. Last evaluated: 2022-03-31. Review status: criteria provided, single submitter. Criteria: GeneDx Variant Classification Process June 2021. Collection method: clinical testing. Allele origin: germline. Affected: yes.
Comment: Not observed at significant frequency in large population cohorts (gnomAD); In-frame deletion of 1 amino acids in a non-repeat region; In silico analysis supports a deleterious effect on protein structure/function; Has not been previously published as pathogenic or benign to our knowledge